The following is an entry in ClinVar:

ClinVar aggregate classification (germline): Uncertain significance (1 of 4 stars; one submission).

Conditions:
Charcot-Marie-Tooth disease type 2. Also called: Charcot-Marie-Tooth type 2. Identifiers: Orphanet 64746, MedGen C0270914, MONDO:0018993.

gnomAD v4.1: 11 of 1,614,186 alleles (0.00068%); highest among the groups gnomAD compares: East Asian, 0.0022%; no homozygotes.

Submission:

Labcorp Genetics (formerly Invitae), Labcorp
Classification: Uncertain significance for Charcot-Marie-Tooth disease type 2. Last evaluated: 2024-03-21. Review status: criteria provided, single submitter. Criteria: Invitae Variant Classification Sherloc (09022015). Collection method: clinical testing. Allele origin: germline.
Comment: This sequence change replaces alanine, which is neutral and non-polar, with threonine, which is neutral and polar, at codon 312 of the MFN2 protein (p.Ala312Thr). This variant is present in population databases (rs774062558, gnomAD 0.006%). This variant has not been reported in the literature in individuals affected with MFN2-related conditions. Advanced modeling of protein sequence and biophysical properties (such as structural, functional, and spatial information, amino acid conservation, physicochemical variation, residue mobility, and thermodynamic stability) has been performed at Invitae for this missense variant, however the output from this modeling did not meet the statistical confidence thresholds required to predict the impact of this variant on MFN2 protein function. In summary, the available evidence is currently insufficient to determine the role of this variant in disease. Therefore, it has been classified as a Variant of Uncertain Significance.

NM_014874.4(MFN2):c.934G>A (p.Ala312Thr)

Gene: MFN2 (mitofusin 2; plus strand). Cytogenetic location: 1p36.22.
Variant type: single nucleotide variant.
Coding change: c.934G>A on transcript NM_014874.4 (MANE Select); coding-DNA position 934, G replaced by A.
Protein change: p.Ala312Thr; replaces alanine 312 with threonine.
Molecular consequence: missense variant.
Genome position (GRCh38, 1-based): chr1:12,001,518, G>A. VCF-style: chr1-12001518-G-A. GRCh37 (hg19) VCF-style: chr1-12061575-G-A.
Other names: c.934G>A, p.Ala312Thr (NM_001127660.2); short protein forms A312T.
Identifiers: ClinVar variation 3624228 (VCV003624228.2).